The following is an entry in ClinVar:

NM_004629.2(FANCG):c.1517A>C (p.Asp506Ala)

Gene: FANCG (FA complementation group G; minus strand). Cytogenetic location: 9p13.3.
Variant type: single nucleotide variant.
Coding change: c.1517A>C on transcript NM_004629.2 (MANE Select); coding-DNA position 1517, A replaced by C.
Protein change: p.Asp506Ala; replaces aspartic acid 506 with alanine.
Molecular consequence: missense variant.
Genome position (GRCh38, 1-based): chr9:35,075,046, T>G on the plus strand (A>C on the coding strand, the complement: FANCG is on the minus strand). VCF-style: chr9-35075046-T-G. GRCh37 (hg19) VCF-style: chr9-35075043-T-G.
Other names: short protein forms D506A.
Identifiers: ClinVar variation 4825744 (VCV004825744.1).

ClinVar aggregate classification (germline): Uncertain significance (1 of 4 stars; one submission).

Conditions:
Inborn genetic diseases. Identifiers: MedGen C0950123, MeSH D030342.

Submission:

Ambry Genetics
Classification: Uncertain significance for Inborn genetic diseases. Last evaluated: 2026-02-24. Review status: criteria provided, single submitter. Criteria: Ambry Variant Classification Scheme 2023. Collection method: clinical testing. Allele origin: germline.
Comment: The p.D506A variant (also known as c.1517A>C), located in coding exon 12 of the FANCG gene, results from an A to C substitution at nucleotide position 1517. The aspartic acid at codon 506 is replaced by alanine, an amino acid with dissimilar properties. This amino acid position is conserved. In addition, this alteration is predicted to be tolerated by in silico analysis. Based on the available evidence, the clinical significance of this variant remains unclear.